The following is an entry in ClinVar:

ClinVar aggregate classification (germline): Pathogenic. Review status: criteria provided, multiple submitters, no conflicts (2 of 4 stars). 4 submissions from 4 submitters: Pathogenic (4). Last evaluated 2026-02-25.

Conditions:
MYO6-related disorder. Also called: MYO6-related condition; MYO6-related disorders.
Rare genetic deafness. Identifiers: Orphanet 96210, MedGen C5680250.

Submissions (4):

PreventionGenetics, part of Exact Sciences
Classification: Pathogenic for MYO6-related condition. Last evaluated: 2026-02-25. Review status: criteria provided, single submitter. Criteria: ACMG Guidelines, 2015. Collection method: clinical testing. Allele origin: germline.
Comment: The MYO6 c.2814_2815delAA variant is predicted to result in a frameshift and premature protein termination (p.Arg939Thrfs*2). This variant was reported as causative for autosomal dominant nonsyndromic hearing loss, segregating with disease in a single large family (Cheng et al. 2014. PubMed ID: 25227905). This variant is reported in 0.00088% of alleles in individuals of European (Non-Finnish) descent in gnomAD. Frameshift variants in MYO6 are expected to be pathogenic. This variant is interpreted as pathogenic.

Labcorp Genetics (formerly Invitae), Labcorp
Classification: Pathogenic. Last evaluated: 2025-12-03. Review status: criteria provided, single submitter. Criteria: Invitae Variant Classification Sherloc (09022015). Collection method: clinical testing. Allele origin: germline.
Comment: This sequence change creates a premature translational stop signal (p.Arg939Thrfs*2) in the MYO6 gene. It is expected to result in an absent or disrupted protein product. Loss-of-function variants in MYO6 are known to be pathogenic (PMID: 12687499, 18348273, 23767834, 25999546, 30582396). This variant is present in population databases (rs753233152, gnomAD 0.0009%). This premature translational stop signal has been observed in individual(s) with deafness (PMID: 25227905). ClinVar contains an entry for this variant (Variation ID: 228375). For these reasons, this variant has been classified as Pathogenic.

GeneDx
Classification: Pathogenic. Last evaluated: 2022-11-15. Review status: criteria provided, single submitter. Criteria: GeneDx Variant Classification Process June 2021. Collection method: clinical testing. Allele origin: germline. Affected: yes.
Comment: Frameshift variant predicted to result in protein truncation or nonsense mediated decay in a gene for which loss-of-function is a known mechanism of disease; Not observed at a significant frequency in large population cohorts (gnomAD); This variant is associated with the following publications: (PMID: 25227905)

Laboratory for Molecular Medicine, Mass General Brigham Personalized Medicine
Classification: Pathogenic for Rare genetic deafness. Last evaluated: 2016-01-03. Review status: criteria provided, single submitter. Criteria: LMM Criteria. Collection method: clinical testing. Allele origin: germline. Inheritance: Autosomal dominant inheritance. Observed: 1 variant allele.
Comment: The p.Arg939fs variant in MYO6 has been previously reported in 1 individual with nonsyndromic hearing loss and was found to segregate with disease in 14 affecte d family members in an autosomal dominant manner (Cheng 2014). It has also been identified in 1/66162 European chromosomes by the Exome Aggregation Consortium ( ExAC). This variant is predicted to cause a fram eshift, which alters the protein?s amino acid sequence beginning at position 939 and lead to a premature termination codon 2 amino acids downstream. This altera tion is then predicted to lead to a truncated or absent protein. Truncating or l oss-of-function variants in the MYO6 gene have been associated with autosomal re cessive congenital sensorineural hearing loss (Ahmed 2003) as well as autosomal dominant postlingual/late-onset progressive sensorineural hearing loss with vari able onset and severity (Hilgert 2008, Sanggaard 2008, Neveling 2013, Schrauwen 2013, Volk 2013). In summary, this variant meets our criteria to be classified a s pathogenic for dominantly inherited nonsyndromic hearing loss based upon the s egregation studies in the reported family and its predicted impact to the protei n.

Literature cited by the submitters: PubMed 12687499 (cited by Labcorp Genetics (formerly Invitae), Labcorp); PubMed 18348273 (cited by Labcorp Genetics (formerly Invitae), Labcorp); PubMed 23767834 (cited by Labcorp Genetics (formerly Invitae), Labcorp); PubMed 25999546 (cited by Labcorp Genetics (formerly Invitae), Labcorp); PubMed 30582396 (cited by Labcorp Genetics (formerly Invitae), Labcorp); PubMed 25227905 (cited by Labcorp Genetics (formerly Invitae), Labcorp and Laboratory for Molecular Medicine, Mass General Brigham Personalized Medicine).

NM_004999.4(MYO6):c.2814_2815del (p.Arg939fs)

Gene: MYO6 (myosin VI; plus strand). Cytogenetic location: 6q14.1.
Variant type: Deletion.
Coding change: c.2814_2815del on transcript NM_004999.4 (MANE Select); coding-DNA positions 2814 to 2815, 2 bases deleted (AA; older notation c.2814_2815delAA).
Protein change: p.Arg939fs; shifts the reading frame from arginine 939.
Molecular consequence: frameshift variant. On other transcripts: non-coding transcript variant (1).
Genome position (GRCh38, 1-based): chr6:75,890,212-75,890,213, AA deleted; deleting any 2 consecutive bases within chr6:75,890,209-75,890,213 gives the same sequence; the c. name uses the placement nearest the transcript's 3' end. VCF-style (leftmost placement, unchanged base first): chr6-75890208-GAA-G. GRCh37 (hg19) VCF-style: chr6-76599925-GAA-G.
Other names: c.2814_2815delAA (NM_004999.3); c.2814_2815del, p.Arg939fs (NM_001300899.2, NM_001368136.1, NM_001368137.1 and 2 more transcripts); c.2799_2800del, p.Arg934fs (NM_001368138.1); short protein forms R934fs, R939fs.
Identifiers: ClinVar variation 228375 (VCV000228375.18), dbSNP rs876657709, ClinGen allele CA3897461.
Genomic context (GRCh38, chr6:75,890,208, plus strand): 5'-AACAGCAGGAAGAGGAAGCAGAAAGGCTGAGGCGTATTCAAGAAGAAATGGAAAAGGAAA[GAA>G]AAAGACGTGAAGAAGACGAAAAACGTCGAAGAAAGGAAGAGGAGGAAAGGCGGATGTGAG-3'